The following is an entry in ClinVar:

NM_001164508.2(NEB):c.19078_19079del (p.Gln6360fs)

Gene: NEB (nebulin; minus strand). Cytogenetic location: 2q23.3.
Variant type: Deletion.
Coding change: c.19078_19079del on transcript NM_001164508.2 (MANE Select); coding-DNA positions 19078 to 19079, 2 bases deleted (CA; older notation c.19078_19079delCA).
Protein change: p.Gln6360fs; shifts the reading frame from glutamine 6360.
Molecular consequence: frameshift variant.
Genome position (GRCh38, 1-based): chr2:151,561,230-151,561,231, TG deleted on the plus strand (CA on the coding strand, the reverse complement: NEB is on the minus strand). VCF-style (leftmost placement, unchanged base first): chr2-151561229-CTG-C. GRCh37 (hg19) VCF-style: chr2-152417743-CTG-C.
Other names: c.19078_19079del, p.Gln6360fs (NM_001164507.2, NM_001271208.2); c.13975_13976del, p.Gln4659fs (NM_004543.5); short protein forms Q4659fs, Q6360fs.
Identifiers: ClinVar variation 1725274 (VCV001725274.2), dbSNP rs2552189462, ClinGen allele CA2580063910.

ClinVar aggregate classification (germline): Likely pathogenic (1 of 4 stars; one submission).

Conditions:
Nemaline myopathy 2 (NEM2). Also called: Nemaline myopathy 2, autosomal recessive. Identifiers: MedGen C1850569, MONDO:0009725, OMIM 256030.

Submission:

Myriad Genetics, Inc.
Classification: Likely pathogenic for Nemaline myopathy 2. Last evaluated: 2022-03-15. Review status: criteria provided, single submitter. Criteria: Myriad Women's Health Autosomal Recessive and X-Linked Classification Criteria (2021). Collection method: clinical testing. Allele origin: unknown.
Comment: NM_001271208.1(NEB):c.19078_19079delCA(Q6360Efs*4) is expected to be pathogenic in the context of NEB-related nemaline myopathy. This variant is predicted to lead to an abnormal or absent protein product due to the creation of a premature termination codon in NEB, a gene where loss-of-function variants are known to be pathogenic. Please note: this variant was assessed in the context of healthy population screening.